The following is an entry in ClinVar:

ClinVar aggregate classification (germline): Uncertain significance (1 of 4 stars; one submission).

Conditions:
46,XY sex reversal 6. Also called: 46,XY GONADAL DYSGENESIS, PARTIAL OR COMPLETE, MAP3K1-RELATED; 46,XY SEX REVERSAL, PARTIAL OR COMPLETE, MAP3K1-RELATED. Identifiers: MedGen C3151064, MONDO:0013410, OMIM 613762.

Submission:

Labcorp Genetics (formerly Invitae), Labcorp
Classification: Uncertain significance for 46,XY sex reversal 6. Last evaluated: 2026-01-28. Review status: criteria provided, single submitter. Criteria: Invitae Variant Classification Sherloc (09022015). Collection method: clinical testing. Allele origin: germline.
Comment: This sequence change replaces isoleucine, which is neutral and non-polar, with threonine, which is neutral and polar, at codon 687 of the MAP3K1 protein (p.Ile687Thr). This variant is not present in population databases (gnomAD no frequency). This variant has not been reported in the literature in individuals affected with MAP3K1-related conditions. Invitae Evidence Modeling of protein sequence and biophysical properties (such as structural, functional, and spatial information, amino acid conservation, physicochemical variation, residue mobility, and thermodynamic stability) has been performed for this missense variant. However, the output from this modeling did not meet the statistical confidence thresholds required to predict the impact of this variant on MAP3K1 protein function. In summary, the available evidence is currently insufficient to determine the role of this variant in disease. Therefore, it has been classified as a Variant of Uncertain Significance.

NM_005921.2(MAP3K1):c.2060T>C (p.Ile687Thr)

Gene: MAP3K1 (mitogen-activated protein kinase kinase kinase 1; plus strand). Cytogenetic location: 5q11.2.
Variant type: single nucleotide variant.
Coding change: c.2060T>C on transcript NM_005921.2 (MANE Select); coding-DNA position 2060, T replaced by C.
Protein change: p.Ile687Thr; replaces isoleucine 687 with threonine.
Molecular consequence: missense variant.
Genome position (GRCh38, 1-based): chr5:56,879,074, T>C. VCF-style: chr5-56879074-T-C. GRCh37 (hg19) VCF-style: chr5-56174901-T-C.
Other names: short protein forms I687T.
Identifiers: ClinVar variation 4738879 (VCV004738879.1).
Genomic context (GRCh38, chr5:56,879,074, plus strand): 5'-GCCACAGTTTAGCGGAAAGAATCAAACTTCAGAGACTTCTCCAGCCAGTTGTAGACACCA[T>C]CCTAGTCAAATGTGCAGATGCCAATAGGTAAGGCTTTATTGATGAATCACTTCAAACCCT-3'
Protein context (NP_005912.1, residues 677-697): QRLLQPVVDT[Ile687Thr]LVKCADANSR